The following is an entry in ClinVar:

NM_004380.3(CREBBP):c.3065T>A (p.Met1022Lys)

Gene: CREBBP (CREB binding protein; minus strand). Cytogenetic location: 16p13.3.
Variant type: single nucleotide variant.
Coding change: c.3065T>A on transcript NM_004380.3 (MANE Select); coding-DNA position 3065, T replaced by A.
Protein change: p.Met1022Lys; replaces methionine 1022 with lysine.
Molecular consequence: missense variant.
Genome position (GRCh38, 1-based): chr16:3,767,905, A>T on the plus strand (T>A on the coding strand, the complement: CREBBP is on the minus strand). VCF-style: chr16-3767905-A-T. GRCh37 (hg19) VCF-style: chr16-3817906-A-T.
Other names: c.2951T>A, p.Met984Lys (NM_001079846.1); short protein forms M1022K, M984K.
Identifiers: ClinVar variation 2505722 (VCV002505722.2), dbSNP rs376935735, ClinGen allele CA7869925.

ClinVar aggregate classification (germline): Uncertain significance (1 of 4 stars; one submission).

Allele frequency attached by ClinVar (database versions not stated): ExAC 0.00001; gnomAD 0.00001; TOPMed 0.00001; ESP Exome Variant Server 0.00008.

Submission:

GeneDx
Classification: Uncertain significance. Last evaluated: 2025-02-20. Review status: criteria provided, single submitter. Criteria: GeneDx Variant Classification Process June 2021. Collection method: clinical testing. Allele origin: germline. Affected: yes.
Comment: In silico analysis indicates that this missense variant does not alter protein structure/function; In silico analysis suggests this variant may impact gene splicing. In the absence of RNA/functional studies, the actual effect of this sequence change is unknown.; Has not been previously published as pathogenic or benign to our knowledge